The following is an entry in ClinVar:

ClinVar aggregate classification (germline): Uncertain significance (1 of 4 stars; one submission).

Conditions:
Congenital myotonia, autosomal recessive form. Also called: BECKER DISEASE; Becker Generalized Myotonia; myotonia congenita, autosomal recessive. Identifiers: Orphanet 614, MedGen C0751360, MONDO:0009715, OMIM 255700.
Congenital myotonia, autosomal dominant form (THD). Also called: THOMSEN DISEASE; Myotonia congenita autosomal dominant. Identifiers: Orphanet 614, MedGen C2936781, MONDO:0008055, OMIM 160800.

Submission:

Labcorp Genetics (formerly Invitae), Labcorp
Classification: Uncertain significance for Congenital myotonia, autosomal recessive form; Congenital myotonia, autosomal dominant form. Last evaluated: 2022-08-19. Review status: criteria provided, single submitter. Criteria: Invitae Variant Classification Sherloc (09022015). Collection method: clinical testing. Allele origin: germline.
Comment: This sequence change falls in intron 20 of the CLCN1 gene. It does not directly change the encoded amino acid sequence of the CLCN1 protein. It affects a nucleotide within the consensus splice site. This variant is not present in population databases (gnomAD no frequency). This variant has not been reported in the literature in individuals affected with CLCN1-related conditions. In summary, the available evidence is currently insufficient to determine the role of this variant in disease. Therefore, it has been classified as a Variant of Uncertain Significance. Variants that disrupt the consensus splice site are a relatively common cause of aberrant splicing (PMID: 17576681, 9536098). Algorithms developed to predict the effect of sequence changes on RNA splicing suggest that this variant is not likely to affect RNA splicing.

Literature cited by the submitters: PubMed 17576681; PubMed 9536098.

NM_000083.3(CLCN1):c.2403+4A>G

Gene: CLCN1 (chloride voltage-gated channel 1; plus strand). Cytogenetic location: 7q34.
Variant type: single nucleotide variant.
Coding change: c.2403+4A>G on transcript NM_000083.3 (MANE Select); 4 bases into the intron after coding-DNA position 2403, A replaced by G.
Molecular consequence: intron variant.
Genome position (GRCh38, 1-based): chr7:143,346,953, A>G. VCF-style: chr7-143346953-A-G. GRCh37 (hg19) VCF-style: chr7-143044046-A-G.
Identifiers: ClinVar variation 2025048 (VCV002025048.4), dbSNP rs372826693, ClinGen allele CA2580077621.
Genomic context (GRCh38, chr7:143,346,953, plus strand): 5'-TATGTCTTTCTTCTCTAGGATTCCACAGATTTAGTGGATAACATGTCACCTGAAGAGGTG[A>G]GTAAGGGAAATGGAAACCTGGGGTGGATTGTTCTATCAAATGAAGATATTGCTAATTTGT-3'